The following is an entry in ClinVar:

ClinVar aggregate classification (germline): Uncertain significance. Review status: criteria provided, multiple submitters, no conflicts (2 of 4 stars). 3 submissions from 3 submitters: Uncertain significance (2). 1 of the submissions does not count toward it. Last evaluated 2023-09-26.

Conditions:
SETD1B-related disorder. Also called: SETD1B-related condition.
Inborn genetic diseases. Identifiers: MedGen C0950123, MeSH D030342.

gnomAD v4.1: 86 of 1,532,022 alleles (0.0056%); highest among the groups gnomAD compares: Non-Finnish European, 0.0075%; no homozygotes.

Submissions (3):

Ambry Genetics
Classification: Uncertain significance for Inborn genetic diseases. Last evaluated: 2023-09-26. Review status: criteria provided, single submitter. Criteria: Ambry Variant Classification Scheme 2023. Collection method: clinical testing. Allele origin: germline.

CeGaT Center for Human Genetics Tuebingen
Classification: Uncertain significance. Last evaluated: 2023-03-01. Review status: criteria provided, single submitter. Criteria: CeGaT Center For Human Genetics Tuebingen Variant Classification Criteria Version 2. Collection method: clinical testing. Allele origin: germline. Affected: yes. Observed: 1 variant allele.
Comment: SETD1B: PP2

PreventionGenetics, part of Exact Sciences
Classification: Likely benign for SETD1B-related condition. Last evaluated: 2024-08-24. Review status: no assertion criteria provided. Collection method: clinical testing. Allele origin: germline. Not counted in ClinVar's aggregate classification.
Comment: This variant is classified as likely benign based on ACMG/AMP sequence variant interpretation guidelines (Richards et al. 2015 PMID: 25741868, with internal and published modifications).

NM_001353345.2(SETD1B):c.1853T>G (p.Val618Gly)

Gene: SETD1B (SET domain containing 1B, histone lysine methyltransferase; plus strand). Cytogenetic location: 12q24.31.
Variant type: single nucleotide variant.
Coding change: c.1853T>G on transcript NM_001353345.2 (MANE Select); coding-DNA position 1853, T replaced by G.
Protein change: p.Val618Gly; replaces valine 618 with glycine.
Molecular consequence: missense variant.
Genome position (GRCh38, 1-based): chr12:121,810,798, T>G. VCF-style: chr12-121810798-T-G. GRCh37 (hg19) VCF-style: chr12-122248704-T-G.
Other names: NM_015048.1:c.1853T>G; short protein forms V618G.
Identifiers: ClinVar variation 2643440 (VCV002643440.25), dbSNP rs374027175, ClinGen allele CA244637523.
Genomic context (GRCh38, chr12:121,810,798, plus strand): 5'-CAGGCCCCCCGGACCCTGCTGGGCTTCTGAGCCAGACAGCTGAGGTGGCCTTGGACCTGG[T>G]TGGAGACAGAACCCCGACCTCAGAGAAGATGGATGAGGTACCACCGTGTCTGTCCATCTG-3'
Protein context (NP_001340274.1, residues 608-628): SQTAEVALDL[Val618Gly]GDRTPTSEKM